The following is an entry in ClinVar:

NM_001148.6(ANK2):c.2654A>G (p.Asn885Ser)

Gene: ANK2 (ankyrin 2; plus strand). Cytogenetic location: 4q26.
Variant type: single nucleotide variant.
Coding change: c.2654A>G on transcript NM_001148.6 (MANE Select); coding-DNA position 2654, A replaced by G.
Protein change: p.Asn885Ser; replaces asparagine 885 with serine.
Molecular consequence: missense variant.
Genome position (GRCh38, 1-based): chr4:113,311,360, A>G. VCF-style: chr4-113311360-A-G. GRCh37 (hg19) VCF-style: chr4-114232516-A-G.
Other names: c.2591A>G, p.Asn864Ser (NM_001127493.3, NM_001354239.2, NM_001354243.2 and 10 more transcripts); c.2654A>G, p.Asn885Ser (NM_001354225.2, NM_001354228.2, NM_001354232.2 and 6 more transcripts); c.2699A>G, p.Asn900Ser (NM_001354230.2, NM_001354231.2, NM_001354237.2 and 5 more transcripts); c.2555A>G, p.Asn852Ser (NM_001354245.2, NM_001354268.2); c.2567A>G, p.Asn856Ser (NM_001354249.2, NM_001354267.2, NM_001354274.2 and 10 more transcripts); c.2492A>G, p.Asn831Ser (NM_001354253.2, NM_001354270.2, NM_001354257.2 and 1 more transcripts); c.2444A>G, p.Asn815Ser (NM_001354269.3); c.2468A>G, p.Asn823Ser (NM_001354271.2, NM_001386151.1, NM_001354260.2); and 9 more; short protein forms N881S, N900S, N815S, N819S, N823S, N864S, N885S, N912S.
Identifiers: ClinVar variation 3667291 (VCV003667291.2).

ClinVar aggregate classification (germline): Uncertain significance (1 of 4 stars; one submission).

Conditions:
Long QT syndrome (LQTS). Identifiers: MedGen C0023976, MeSH D008133, MONDO:0002442. Disease mechanism: loss of function. Inheritance: Various modes of inheritance.

Submission:

Labcorp Genetics (formerly Invitae), Labcorp
Classification: Uncertain significance for Long QT syndrome. Last evaluated: 2024-11-26. Review status: criteria provided, single submitter. Criteria: Invitae Variant Classification Sherloc (09022015). Collection method: clinical testing. Allele origin: germline.
Comment: This sequence change replaces asparagine, which is neutral and polar, with serine, which is neutral and polar, at codon 885 of the ANK2 protein (p.Asn885Ser). This variant is not present in population databases (gnomAD no frequency). This variant has not been reported in the literature in individuals affected with ANK2-related conditions. Invitae Evidence Modeling of protein sequence and biophysical properties (such as structural, functional, and spatial information, amino acid conservation, physicochemical variation, residue mobility, and thermodynamic stability) indicates that this missense variant is not expected to disrupt ANK2 protein function with a negative predictive value of 80%. In summary, the available evidence is currently insufficient to determine the role of this variant in disease. Therefore, it has been classified as a Variant of Uncertain Significance.